The following is an entry in ClinVar:

NM_181507.2(HPS5):c.2342A>C (p.Tyr781Ser)

Gene: HPS5 (HPS5 biogenesis of lysosomal organelles complex 2 subunit 2; minus strand). Cytogenetic location: 11p15.1.
Variant type: single nucleotide variant.
Coding change: c.2342A>C on transcript NM_181507.2 (MANE Select); coding-DNA position 2342, A replaced by C.
Protein change: p.Tyr781Ser; replaces tyrosine 781 with serine.
Molecular consequence: missense variant. On other transcripts: intron variant (1).
Genome position (GRCh38, 1-based): chr11:18,291,540, T>G on the plus strand (A>C on the coding strand, the complement: HPS5 is on the minus strand). VCF-style: chr11-18291540-T-G. GRCh37 (hg19) VCF-style: chr11-18313087-T-G.
Other names: c.2342A>C, p.Tyr781Ser (NM_001440902.1, NM_001440903.1, NM_001440904.1 and 4 more transcripts); c.2267A>C, p.Tyr756Ser (NM_001440907.1, NM_001440908.1, NM_001440909.1); c.2231A>C, p.Tyr744Ser (NM_001440913.1, NM_001440914.1, NM_001440915.1); c.2156A>C, p.Tyr719Ser (NM_001440918.1); c.2129A>C, p.Tyr710Ser (NM_001440919.1); c.2000A>C, p.Tyr667Ser (NM_001440920.1, NM_001440921.1, NM_001440922.1 and 7 more transcripts); c.1928A>C, p.Tyr643Ser (NM_001440927.1, NM_001440928.1, NM_001440929.1); c.1862+1359A>C (NM_001440931.1); short protein forms Y667S, Y719S, Y744S, Y781S, Y756S, Y643S, Y710S.
Identifiers: ClinVar variation 4996993 (VCV004996993.1).

ClinVar aggregate classification (germline): Uncertain significance (1 of 4 stars; one submission).

Conditions:
HPS5-related disorder. Also called: HPS5-related condition.

gnomAD v4.1: 6 of 1,611,394 alleles (0.00037%); highest among the groups gnomAD compares: South Asian, 0.0066%; no homozygotes.

Submission:

PreventionGenetics, part of Exact Sciences
Classification: Uncertain significance for HPS5-related condition. Last evaluated: 2025-10-24. Review status: criteria provided, single submitter. Criteria: ACMG Guidelines, 2015. Collection method: clinical testing. Allele origin: germline.
Comment: The HPS5 c.2342A>C variant is predicted to result in the amino acid substitution p.Tyr781Ser. To our knowledge, this variant has not been reported in the literature. This variant is reported in 0.0066% of alleles in individuals of South Asian descent in gnomAD. At this time, the clinical significance of this variant is uncertain due to the absence of conclusive functional and genetic evidence.